The following is an entry in ClinVar:

NM_001204.7(BMPR2):c.104C>T (p.Ala35Val)

Gene: BMPR2 (bone morphogenetic protein receptor type 2; plus strand). Cytogenetic location: 2q33.1.
Variant type: single nucleotide variant.
Coding change: c.104C>T on transcript NM_001204.7 (MANE Select); coding-DNA position 104, C replaced by T.
Protein change: p.Ala35Val; replaces alanine 35 with valine.
Molecular consequence: missense variant.
Genome position (GRCh38, 1-based): chr2:202,464,836, C>T. VCF-style: chr2-202464836-C-T. GRCh37 (hg19) VCF-style: chr2-203329559-C-T.
Other names: short protein forms A35V.
Identifiers: ClinVar variation 1710893 (VCV001710893.3), dbSNP rs770128128, ClinGen allele CA64532180.

ClinVar aggregate classification (germline): Uncertain significance. Review status: criteria provided, multiple submitters, no conflicts (2 of 4 stars). 2 submissions from 2 submitters: Uncertain significance (2). Last evaluated 2025-01-09.

Conditions:
Inborn genetic diseases. Identifiers: MedGen C0950123, MeSH D030342.

Allele frequency attached by ClinVar (database versions not stated): gnomAD exomes 0.00001; TOPMed 0.00001.
gnomAD v4.1: 10 of 1,613,632 alleles (0.00062%); highest among the groups gnomAD compares: Admixed American, 0.0017%; no homozygotes.

Submissions (2):

Ambry Genetics
Classification: Uncertain significance for Inborn genetic diseases. Last evaluated: 2025-01-09. Review status: criteria provided, single submitter. Criteria: Ambry Variant Classification Scheme 2023. Collection method: clinical testing. Allele origin: germline.
Comment: The p.A35V variant (also known as c.104C>T), located in coding exon 2 of the BMPR2 gene, results from a C to T substitution at nucleotide position 104. The alanine at codon 35 is replaced by valine, an amino acid with similar properties. This amino acid position is conserved. In addition, the in silico prediction for this alteration is inconclusive. Based on the available evidence, the clinical significance of this variant remains unclear.

GeneDx
Classification: Uncertain significance. Last evaluated: 2022-04-12. Review status: criteria provided, single submitter. Criteria: GeneDx Variant Classification Process June 2021. Collection method: clinical testing. Allele origin: germline. Affected: yes.
Comment: Not observed at significant frequency in large population cohorts (gnomAD); In silico analysis supports that this missense variant does not alter protein structure/function; Has not been previously published as pathogenic or benign to our knowledge